The following is an entry in ClinVar:

NM_007078.3(LDB3):c.1336A>G (p.Thr446Ala)

Gene: LDB3 (LIM domain binding 3; plus strand). Cytogenetic location: 10q23.2.
Variant type: single nucleotide variant.
Coding change: c.1336A>G on transcript NM_007078.3 (MANE Select); coding-DNA position 1336, A replaced by G.
Protein change: p.Thr446Ala; replaces threonine 446 with alanine.
Molecular consequence: missense variant.
Genome position (GRCh38, 1-based): chr10:86,716,431, A>G. VCF-style: chr10-86716431-A-G. GRCh37 (hg19) VCF-style: chr10-88476188-A-G.
Other names: c.1006A>G, p.Thr336Ala (NM_001080114.2); c.1351A>G, p.Thr451Ala (NM_001171610.2); c.1147A>G, p.Thr383Ala (NM_001368064.1, NM_001368065.1); c.1195A>G, p.Thr399Ala (NM_001368066.1); short protein forms T336A, T383A, T399A, T446A, T451A.
Identifiers: ClinVar variation 1712753 (VCV001712753.8), dbSNP rs1445864873, ClinGen allele CA377449949.
Genomic context (GRCh38, chr10:86,716,431, plus strand): 5'-CCCACTCCCTACACCCCCTCCCCTGCCCCTGCCTACACCCCCTCCCCTGCCCCTGCCTAC[A>G]CCCCCTCACCTGTCCCCACCTACACTCCATCCCCAGCACCAGCCTATACCCCCTCACCTG-3'
Protein context (NP_009009.1, residues 436-456): AYTPSPAPAY[Thr446Ala]PSPVPTYTPS

ClinVar aggregate classification (germline): Uncertain significance. Review status: criteria provided, multiple submitters, no conflicts (2 of 4 stars). 3 submissions from 3 submitters: Uncertain significance (3). Last evaluated 2024-07-28.

Conditions:
Cardiovascular phenotype. Identifiers: MedGen CN230736.
Myofibrillar myopathy 4. Also called: Zaspopathy (type). Identifiers: Orphanet 98912, MedGen C4721886, MONDO:0012277, OMIM 609452.

Allele frequency attached by ClinVar (database versions not stated): gnomAD 0.00004.
gnomAD v4.1: 1 of 1,104,022 alleles (0.000091%); highest among the groups gnomAD compares: African/African-American, 0.0033%; no homozygotes.

Submissions (3):

Ambry Genetics
Classification: Uncertain significance for Cardiovascular phenotype. Last evaluated: 2024-07-28. Review status: criteria provided, single submitter. Criteria: Ambry Variant Classification Scheme 2023. Collection method: clinical testing. Allele origin: germline.
Comment: The p.T446A variant (also known as c.1336A>G), located in coding exon 9 of the LDB3 gene, results from an A to G substitution at nucleotide position 1336. The threonine at codon 446 is replaced by alanine, an amino acid with similar properties. This amino acid position is conserved. In addition, this alteration is predicted to be tolerated by in silico analysis. Since supporting evidence is limited at this time, the clinical significance of this alteration remains unclear.

Labcorp Genetics (formerly Invitae), Labcorp
Classification: Uncertain significance for Myofibrillar myopathy 4. Last evaluated: 2022-11-14. Review status: criteria provided, single submitter. Criteria: Invitae Variant Classification Sherloc (09022015). Collection method: clinical testing. Allele origin: germline.
Comment: In summary, the available evidence is currently insufficient to determine the role of this variant in disease. Therefore, it has been classified as a Variant of Uncertain Significance. Experimental studies and prediction algorithms are not available or were not evaluated, and the functional significance of this variant is currently unknown. This variant has not been reported in the literature in individuals affected with LDB3-related conditions. This variant is not present in population databases (gnomAD no frequency). This sequence change replaces threonine, which is neutral and polar, with alanine, which is neutral and non-polar, at codon 446 of the LDB3 protein (p.Thr446Ala). The LDB3 gene has multiple clinically relevant transcripts. This variant occurs in alternate transcript NM_007078.3, and corresponds to NM_001080116.1:c.*17057A>G in the primary transcript.

GeneDx
Classification: Uncertain significance. Last evaluated: 2022-04-28. Review status: criteria provided, single submitter. Criteria: GeneDx Variant Classification Process June 2021. Collection method: clinical testing. Allele origin: germline. Affected: yes.
Comment: Not observed at significant frequency in large population cohorts (gnomAD); In silico analysis supports that this missense variant does not alter protein structure/function; Has not been previously published as pathogenic or benign to our knowledge; Note that the p.(T446A) variant is present in an alternate transcript of the LDB3 gene (NM_007078.2), and is not present in the coding portion of the primary transcript (NM_001080116.1).